The following is an entry in ClinVar:

ClinVar aggregate classification (germline): Uncertain significance (1 of 4 stars; one submission).

Conditions:
Werner syndrome (WRN). Identifiers: Orphanet 902, MedGen C0043119, MONDO:0010196, OMIM 277700.

Allele frequency attached by ClinVar (database versions not stated): gnomAD exomes below 0.00001; TOPMed below 0.00001; gnomAD 0.00001.
gnomAD v4.1: 3 of 1,613,812 alleles (0.00019%); highest among the groups gnomAD compares: Admixed American, 0.005%; no homozygotes.

Submission:

Labcorp Genetics (formerly Invitae), Labcorp
Classification: Uncertain significance for Werner syndrome. Last evaluated: 2025-08-07. Review status: criteria provided, single submitter. Criteria: Invitae Variant Classification Sherloc (09022015). Collection method: clinical testing. Allele origin: germline.
Comment: This sequence change replaces methionine with threonine at codon 393 of the WRN protein (p.Met393Thr). The methionine residue is moderately conserved and there is a moderate physicochemical difference between methionine and threonine. This variant is present in population databases (no rsID available, gnomAD 0.003%). This variant has not been reported in the literature in individuals affected with WRN-related conditions. ClinVar contains an entry for this variant (Variation ID: 528121). An algorithm developed to predict the effect of missense changes on protein structure and function outputs the following: PolyPhen-2: "Probably Damaging". The threonine amino acid residue is found in multiple mammalian species, which suggests that this missense change does not adversely affect protein function. In summary, the available evidence is currently insufficient to determine the role of this variant in disease. Therefore, it has been classified as a Variant of Uncertain Significance.

NM_000553.6(WRN):c.1178T>C (p.Met393Thr)

Gene: WRN (WRN RecQ like helicase; plus strand). Cytogenetic location: 8p12.
Variant type: single nucleotide variant.
Coding change: c.1178T>C on transcript NM_000553.6 (MANE Select); coding-DNA position 1178, T replaced by C.
Protein change: p.Met393Thr; replaces methionine 393 with threonine.
Molecular consequence: missense variant.
Genome position (GRCh38, 1-based): chr8:31,081,205, T>C. VCF-style: chr8-31081205-T-C. GRCh37 (hg19) VCF-style: chr8-30938721-T-C.
Other names: short protein forms M393T.
Identifiers: ClinVar variation 528121 (VCV000528121.8), dbSNP rs1322387323, ClinGen allele CA370921122.